The following is an entry in ClinVar:

ClinVar aggregate classification (germline): Uncertain significance (1 of 4 stars; one submission).

Submission:

CeGaT Center for Human Genetics Tuebingen
Classification: Uncertain significance. Last evaluated: 2022-07-01. Review status: criteria provided, single submitter. Criteria: CeGaT Center For Human Genetics Tuebingen Variant Classification Criteria Version 2. Collection method: clinical testing. Allele origin: germline. Affected: yes. Observed: 1 variant allele.
Comment: COL6A3: PM2

NM_004369.4(COL6A3):c.6897C>A (p.Asp2299Glu)

Gene: COL6A3 (collagen type VI alpha 3 chain; minus strand). Cytogenetic location: 2q37.3.
Variant type: single nucleotide variant.
Coding change: c.6897C>A on transcript NM_004369.4 (MANE Select); coding-DNA position 6897, C replaced by A.
Protein change: p.Asp2299Glu; replaces aspartic acid 2299 with glutamic acid.
Molecular consequence: missense variant.
Genome position (GRCh38, 1-based): chr2:237,348,646, G>T on the plus strand (C>A on the coding strand, the complement: COL6A3 is on the minus strand). VCF-style: chr2-237348646-G-T. GRCh37 (hg19) VCF-style: chr2-238257289-G-T.
Other names: c.5076C>A, p.Asp1692Glu (NM_057166.5); c.6279C>A, p.Asp2093Glu (NM_057167.4); short protein forms D1692E, D2093E, D2299E.
Identifiers: ClinVar variation 2652042 (VCV002652042.22), dbSNP rs764508785, ClinGen allele CA351208375.